The following is an entry in ClinVar:

NM_019066.5(MAGEL2):c.476T>C (p.Met159Thr)

Gene: MAGEL2 (MAGE family member L2; minus strand). Cytogenetic location: 15q11.2.
Variant type: single nucleotide variant.
Coding change: c.476T>C on transcript NM_019066.5 (MANE Select); coding-DNA position 476, T replaced by C.
Protein change: p.Met159Thr; replaces methionine 159 with threonine.
Molecular consequence: missense variant.
Genome position (GRCh38, 1-based): chr15:23,647,267, A>G on the plus strand (T>C on the coding strand, the complement: MAGEL2 is on the minus strand). VCF-style: chr15-23647267-A-G. GRCh37 (hg19) VCF-style: chr15-23892414-A-G.
Other names: short protein forms M159T.
Identifiers: ClinVar variation 3250448 (VCV003250448.14), dbSNP rs1238167228.

ClinVar aggregate classification (germline): Uncertain significance. Review status: criteria provided, multiple submitters, no conflicts (2 of 4 stars). 2 submissions from 2 submitters: Uncertain significance (2). Last evaluated 2025-02-01.

Conditions:
Schaaf-Yang syndrome (SHFYNG). Also called: MAGEL2-related Prader-Willi-like syndrome; Arthrogryposis, distal, with hypopituitarism, intellectual disability, and facial anomalies. Identifiers: Orphanet 398069, MedGen C5575066, MONDO:0014243, OMIM 615547.

Submissions (2):

CeGaT Center for Human Genetics Tuebingen
Classification: Uncertain significance. Last evaluated: 2025-02-01. Review status: criteria provided, single submitter. Criteria: CeGaT Center For Human Genetics Tuebingen Variant Classification Criteria Version 2. Collection method: clinical testing. Allele origin: germline. Affected: yes. Observed: 1 variant allele.
Comment: MAGEL2: PP3

Neuberg Centre For Genomic Medicine, NCGM
Classification: Uncertain significance for Schaaf-Yang syndrome. Review status: criteria provided, single submitter. Criteria: ACMG Guidelines, 2015. Collection method: clinical testing. Allele origin: germline. Inheritance: Autosomal dominant inheritance. Affected: yes.
Comment: The missense c.476T>C (p.Met159Thr) variant in MAGEL2 gene has not been reported previously as a pathogenic variant nor as a benign variant, to our knowledge. The variant p.Met159Thr has allele frequency 0.0007% in gnomAD and is absent in 1000 Genomes. This variant has not been reported to the ClinVar database. The amino acid change p.Met159Thr in MAGEL2 is predicted as conserved by GERP++ and PhyloP across 100 vertebrates. The amino acid Met at position 159 is changed to a Thr changing protein sequence and it might alter its composition and physico-chemical properties. For these reasons, this variant has been classified as Variant of Uncertain Significance (VUS).